The following is an entry in ClinVar:

ClinVar aggregate classification (germline): Uncertain significance. Review status: criteria provided, multiple submitters, no conflicts (2 of 4 stars). 2 submissions from 2 submitters: Uncertain significance (2). Last evaluated 2025-02-19.

Conditions:
Inborn genetic diseases. Identifiers: MedGen C0950123, MeSH D030342.

gnomAD v4.1: 2 of 1,613,810 alleles (0.00012%); highest among the groups gnomAD compares: Admixed American, 0.0033%; no homozygotes.

Submissions (2):

Labcorp Genetics (formerly Invitae), Labcorp
Classification: Uncertain significance. Last evaluated: 2025-02-19. Review status: criteria provided, single submitter. Criteria: Invitae Variant Classification Sherloc (09022015). Collection method: clinical testing. Allele origin: germline.
Comment: This sequence change replaces asparagine, which is neutral and polar, with serine, which is neutral and polar, at codon 872 of the NALCN protein (p.Asn872Ser). This variant is present in population databases (rs777974606, gnomAD 0.006%). This variant has not been reported in the literature in individuals affected with NALCN-related conditions. Invitae Evidence Modeling of protein sequence and biophysical properties (such as structural, functional, and spatial information, amino acid conservation, physicochemical variation, residue mobility, and thermodynamic stability) indicates that this missense variant is not expected to disrupt NALCN protein function with a negative predictive value of 80%. In summary, the available evidence is currently insufficient to determine the role of this variant in disease. Therefore, it has been classified as a Variant of Uncertain Significance.

Ambry Genetics
Classification: Uncertain significance for Inborn genetic diseases. Last evaluated: 2025-01-26. Review status: criteria provided, single submitter. Criteria: Ambry Variant Classification Scheme 2023. Collection method: clinical testing. Allele origin: germline.

NM_052867.4(NALCN):c.2615A>G (p.Asn872Ser)

Gene: NALCN (sodium leak channel, non-selective; minus strand). Cytogenetic location: 13q33.1.
Variant type: single nucleotide variant.
Coding change: c.2615A>G on transcript NM_052867.4 (MANE Select); coding-DNA position 2615, A replaced by G.
Protein change: p.Asn872Ser; replaces asparagine 872 with serine.
Molecular consequence: missense variant.
Genome position (GRCh38, 1-based): chr13:101,104,915, T>C on the plus strand (A>G on the coding strand, the complement: NALCN is on the minus strand). VCF-style: chr13-101104915-T-C. GRCh37 (hg19) VCF-style: chr13-101757266-T-C.
Other names: c.2702A>G, p.Asn901Ser (NM_001350748.2); c.2615A>G, p.Asn872Ser (NM_001350749.2); c.2528A>G, p.Asn843Ser (NM_001350750.2, NM_001350751.2); short protein forms N843S, N901S, N872S.
Identifiers: ClinVar variation 3877570 (VCV003877570.2).